The following is an entry in ClinVar:

NM_001353694.2(TIAM1):c.4401G>A (p.Pro1467=)

Gene: TIAM1 (TIAM Rac1 associated GEF 1; minus strand). Cytogenetic location: 21q22.11.
Variant type: single nucleotide variant.
Coding change: c.4401G>A on transcript NM_001353694.2 (MANE Select); coding-DNA position 4401, G replaced by A.
Protein change: p.Pro1467=; no amino-acid change (proline 1467 retained).
Molecular consequence: synonymous variant.
Genome position (GRCh38, 1-based): chr21:31,120,743, C>T on the plus strand (G>A on the coding strand, the complement: TIAM1 is on the minus strand). VCF-style: chr21-31120743-C-T. GRCh37 (hg19) VCF-style: chr21-32493061-C-T.
Other names: c.1500G>A, p.Pro500= (NM_001353684.2); c.1425G>A, p.Pro475= (NM_001353685.2); c.4326G>A, p.Pro1442= (NM_001353686.2, NM_001353687.2); c.4401G>A, p.Pro1467= (NM_001353688.1, NM_001353689.1, NM_001353690.1 and 4 more transcripts).
Identifiers: ClinVar variation 4980814 (VCV004980814.1).

ClinVar aggregate classification (germline): Likely benign (1 of 4 stars; one submission).

Conditions:
TIAM1-related disorder. Also called: TIAM1-related condition.

gnomAD v4.1: 47 of 1,613,972 alleles (0.0029%); highest among the groups gnomAD compares: Admixed American, 0.022%; no homozygotes.

Submission:

PreventionGenetics, part of Exact Sciences
Classification: Likely benign for TIAM1-related condition. Last evaluated: 2024-12-22. Review status: criteria provided, single submitter. Criteria: ACMG Guidelines, 2015. Collection method: clinical testing. Allele origin: germline.
Comment: This variant is classified as likely benign based on ACMG/AMP sequence variant interpretation guidelines (Richards et al. 2015 PMID: 25741868, with internal and published modifications).